The following is an entry in ClinVar:

NM_006516.4(SLC2A1):c.15C>G (p.Ser5Arg)

Gene: SLC2A1 (solute carrier family 2 member 1; minus strand). Cytogenetic location: 1p34.2.
Variant type: single nucleotide variant.
Coding change: c.15C>G on transcript NM_006516.4 (MANE Select); coding-DNA position 15, C replaced by G.
Protein change: p.Ser5Arg; replaces serine 5 with arginine.
Molecular consequence: missense variant.
Genome position (GRCh38, 1-based): chr1:42,958,637, G>C on the plus strand (C>G on the coding strand, the complement: SLC2A1 is on the minus strand). VCF-style: chr1-42958637-G-C. GRCh37 (hg19) VCF-style: chr1-43424308-G-C.
Other names: short protein forms S5R.
Identifiers: ClinVar variation 3633562 (VCV003633562.2).

ClinVar aggregate classification (germline): Uncertain significance (1 of 4 stars; one submission).

Conditions:
GLUT1 deficiency syndrome 1, autosomal recessive. Identifiers: MedGen C3149117.

Submission:

Labcorp Genetics (formerly Invitae), Labcorp
Classification: Uncertain significance for GLUT1 deficiency syndrome 1, autosomal recessive. Last evaluated: 2024-12-12. Review status: criteria provided, single submitter. Criteria: Invitae Variant Classification Sherloc (09022015). Collection method: clinical testing. Allele origin: germline.
Comment: This sequence change replaces serine, which is neutral and polar, with arginine, which is basic and polar, at codon 5 of the SLC2A1 protein (p.Ser5Arg). This variant is not present in population databases (gnomAD no frequency). This variant has not been reported in the literature in individuals affected with SLC2A1-related conditions. Invitae Evidence Modeling of protein sequence and biophysical properties (such as structural, functional, and spatial information, amino acid conservation, physicochemical variation, residue mobility, and thermodynamic stability) indicates that this missense variant is not expected to disrupt SLC2A1 protein function with a negative predictive value of 95%. In summary, the available evidence is currently insufficient to determine the role of this variant in disease. Therefore, it has been classified as a Variant of Uncertain Significance.